The following is an entry in ClinVar:

NM_001942.4(DSG1):c.1690G>A (p.Val564Ile)

Genes: DSG1 (desmoglein 1; plus strand), DSG1-AS1 (DSG1 antisense RNA 1; minus strand). Cytogenetic location: 18q12.1.
Variant type: single nucleotide variant.
Coding change: c.1690G>A on transcript NM_001942.4 (MANE Select); coding-DNA position 1690, G replaced by A.
Protein change: p.Val564Ile; replaces valine 564 with isoleucine.
Molecular consequence: missense variant. On other transcripts: non-coding transcript variant (2).
Genome position (GRCh38, 1-based): chr18:31,343,452, G>A. VCF-style: chr18-31343452-G-A. GRCh37 (hg19) VCF-style: chr18-28923415-G-A.
Other names: c.1690G>A (NM_001942.2); short protein forms V564I.
Identifiers: ClinVar variation 1354662 (VCV001354662.10), dbSNP rs146919961, ClinGen allele CA8926153.

ClinVar aggregate classification (germline): Uncertain significance. Review status: criteria provided, multiple submitters, no conflicts (2 of 4 stars). 4 submissions from 4 submitters: Uncertain significance (4). Last evaluated 2025-10-09.

Conditions:
Inborn genetic diseases. Identifiers: MedGen C0950123, MeSH D030342.
Severe dermatitis-multiple allergies-metabolic wasting syndrome. Also called: SEVERE DERMATITIS, MULTIPLE ALLERGIES, AND METABOLIC WASTING SYNDROME; SAM SYNDROME; ERYTHRODERMA, CONGENITAL, WITH PALMOPLANTAR KERATODERMA, HYPOTRICHOSIS, RECURRENT INFECTIONS, AND MULTIPLE FOOD ALLERGIES; Erythroderma, congenital, with palmoplantar keratoderma, hypotrichosis, and hyper-ige. Identifiers: Orphanet 369992, MedGen C3809719, MONDO:0014218, OMIM 615508.
Palmoplantar keratoderma i, striate, focal, or diffuse. Also called: KERATOSIS PALMOPLANTARIS STRIATA I; Keratosis Palmoplantaris Striata I, AD; PALMOPLANTAR KERATODERMA I, STRIATE OR DIFFUSE; PALMOPLANTAR KERATODERMA I, FOCAL; KERATODERMA, PALMOPLANTAR, STRIATE FORM I; STRIATE PALMOPLANTAR KERATODERMA I. Identifiers: Orphanet 369999, Orphanet 370002, MedGen C2931122, MONDO:0007859, OMIM 148700.

Allele frequency attached by ClinVar (database versions not stated): ESP Exome Variant Server 0.00015; gnomAD exomes 0.00019; 1000 Genomes Project 0.00020; gnomAD 0.00021 and 0.00022; ExAC 0.00023; TOPMed 0.00023; 1000 Genomes Project 30x 0.00031.
gnomAD v4.1: 365 of 1,614,060 alleles (0.023%); highest among the groups gnomAD compares: Middle Eastern, 0.033%; 1 homozygote.

Submissions (4):

Labcorp Genetics (formerly Invitae), Labcorp
Classification: Uncertain significance. Last evaluated: 2025-10-09. Review status: criteria provided, single submitter. Criteria: Invitae Variant Classification Sherloc (09022015). Collection method: clinical testing. Allele origin: germline.
Comment: This sequence change replaces valine, which is neutral and non-polar, with isoleucine, which is neutral and non-polar, at codon 564 of the DSG1 protein (p.Val564Ile). This variant is present in population databases (rs146919961, gnomAD 0.04%), including at least one homozygous and/or hemizygous individual. This variant has not been reported in the literature in individuals affected with DSG1-related conditions. ClinVar contains an entry for this variant (Variation ID: 1354662). An algorithm developed to predict the effect of missense changes on protein structure and function (PolyPhen-2) suggests that this variant is likely to be disruptive. In summary, the available evidence is currently insufficient to determine the role of this variant in disease. Therefore, it has been classified as a Variant of Uncertain Significance.

Blueprint Genetics
Classification: Uncertain significance. Last evaluated: 2024-11-06. Review status: criteria provided, single submitter. Criteria: ACMG Guidelines, 2015. Collection method: clinical testing. Allele origin: germline.

Ambry Genetics
Classification: Uncertain significance for Inborn genetic diseases. Last evaluated: 2024-10-11. Review status: criteria provided, single submitter. Criteria: Ambry Variant Classification Scheme 2023. Collection method: clinical testing. Allele origin: germline.

Fulgent Genetics
Classification: Uncertain significance for Palmoplantar keratoderma i, striate, focal, or diffuse; Severe dermatitis-multiple allergies-metabolic wasting syndrome. Last evaluated: 2024-05-21. Review status: criteria provided, single submitter. Criteria: ACMG Guidelines, 2015. Collection method: clinical testing. Allele origin: germline.